The following is an entry in ClinVar:

NM_058216.3(RAD51C):c.88G>C (p.Ala30Pro)

Gene: RAD51C (RAD51 paralog C; plus strand). Cytogenetic location: 17q22.
Variant type: single nucleotide variant.
Coding change: c.88G>C on transcript NM_058216.3 (MANE Select); coding-DNA position 88, G replaced by C.
Protein change: p.Ala30Pro; replaces alanine 30 with proline.
Molecular consequence: missense variant. On other transcripts: non-coding transcript variant (1).
Genome position (GRCh38, 1-based): chr17:58,692,731, G>C. VCF-style: chr17-58692731-G-C. GRCh37 (hg19) VCF-style: chr17-56770092-G-C.
Other names: c.88G>C, p.Ala30Pro (NM_002876.4); c.88G>C (NM_058216.1); short protein forms A30P.
Identifiers: ClinVar variation 1019945 (VCV001019945.9), dbSNP rs1331134740, ClinGen allele CA400337137.

ClinVar aggregate classification (germline): Uncertain significance. Review status: criteria provided, multiple submitters, no conflicts (2 of 4 stars). 2 submissions from 2 submitters: Uncertain significance (2). Last evaluated 2024-02-20.

Conditions:
Hereditary cancer-predisposing syndrome. Also called: Hereditary neoplastic syndrome; Neoplastic Syndromes, Hereditary; Tumor predisposition; Hereditary Cancer Syndrome. Identifiers: Orphanet 140162, MedGen C0027672, MeSH D009386, MONDO:0015356.
Fanconi anemia complementation group O. Also called: RAD51C-Related Fanconi Anemia. Identifiers: Orphanet 84, MedGen C3150653, MONDO:0013248, OMIM 613390.

Submissions (2):

Ambry Genetics
Classification: Uncertain significance for Hereditary cancer-predisposing syndrome. Last evaluated: 2024-02-20. Review status: criteria provided, single submitter. Criteria: Ambry Variant Classification Scheme 2023. Collection method: clinical testing. Allele origin: germline.
Comment: The p.A30P variant (also known as c.88G>C), located in coding exon 1 of the RAD51C gene, results from a G to C substitution at nucleotide position 88. The alanine at codon 30 is replaced by proline, an amino acid with highly similar properties. This amino acid position is conserved. In addition, the in silico prediction for this alteration is inconclusive. Based on the available evidence, the clinical significance of this alteration remains unclear.

Labcorp Genetics (formerly Invitae), Labcorp
Classification: Uncertain significance for Fanconi anemia complementation group O. Last evaluated: 2020-10-05. Review status: criteria provided, single submitter. Criteria: Invitae Variant Classification Sherloc (09022015). Collection method: clinical testing. Allele origin: germline.
Comment: In summary, the available evidence is currently insufficient to determine the role of this variant in disease. Therefore, it has been classified as a Variant of Uncertain Significance. Advanced modeling of protein sequence and biophysical properties (such as structural, functional, and spatial information, amino acid conservation, physicochemical variation, residue mobility, and thermodynamic stability) performed at Invitae indicates that this missense variant is expected to disrupt RAD51C protein function. This variant has not been reported in the literature in individuals with RAD51C-related conditions. This variant is not present in population databases (ExAC no frequency). This sequence change replaces alanine with proline at codon 30 of the RAD51C protein (p.Ala30Pro). The alanine residue is moderately conserved and there is a small physicochemical difference between alanine and proline.